The following is an entry in ClinVar:

ClinVar aggregate classification (germline): Conflicting classifications of pathogenicity. Review status: criteria provided, conflicting classifications (1 of 4 stars). 2 submissions from 2 submitters: Uncertain significance (1); Likely benign (1). Last evaluated 2024-10-22.

Conditions:
Cardiovascular phenotype. Identifiers: MedGen CN230736.

Submissions (2):

Ambry Genetics
Classification: Likely benign for Cardiovascular phenotype. Last evaluated: 2024-10-22. Review status: criteria provided, single submitter. Criteria: Ambry Variant Classification Scheme 2023. Collection method: clinical testing. Allele origin: germline.

GeneDx
Classification: Uncertain significance. Last evaluated: 2019-05-06. Review status: criteria provided, single submitter. Criteria: GeneDx Variant Classification Process June 2021. Collection method: clinical testing. Allele origin: germline. Affected: yes.
Comment: Has not been previously published as pathogenic or benign to our knowledge; Not observed in large population cohorts (Lek et al., 2016); In silico analysis, which includes protein predictors and evolutionary conservation, supports that this variant does not alter protein structure/function

NM_005477.3(HCN4):c.3433A>G (p.Ile1145Val)

Gene: HCN4 (hyperpolarization activated cyclic nucleotide gated potassium channel 4; minus strand). Cytogenetic location: 15q24.1.
Variant type: single nucleotide variant.
Coding change: c.3433A>G on transcript NM_005477.3 (MANE Select); coding-DNA position 3433, A replaced by G.
Protein change: p.Ile1145Val; replaces isoleucine 1145 with valine.
Molecular consequence: missense variant.
Genome position (GRCh38, 1-based): chr15:73,322,660, T>C on the plus strand (A>G on the coding strand, the complement: HCN4 is on the minus strand). VCF-style: chr15-73322660-T-C. GRCh37 (hg19) VCF-style: chr15-73615001-T-C.
Other names: short protein forms I1145V.
Identifiers: ClinVar variation 1305548 (VCV001305548.3), dbSNP rs2042867733, ClinGen allele CA393085332.